The following is an entry in ClinVar:

NM_001447.3(FAT2):c.2763C>G (p.Asn921Lys)

Gene: FAT2 (FAT atypical cadherin 2; minus strand). Cytogenetic location: 5q33.1.
Variant type: single nucleotide variant.
Coding change: c.2763C>G on transcript NM_001447.3 (MANE Select); coding-DNA position 2763, C replaced by G.
Protein change: p.Asn921Lys; replaces asparagine 921 with lysine.
Molecular consequence: missense variant.
Genome position (GRCh38, 1-based): chr5:151,566,169, G>C on the plus strand (C>G on the coding strand, the complement: FAT2 is on the minus strand). VCF-style: chr5-151566169-G-C. GRCh37 (hg19) VCF-style: chr5-150945730-G-C.
Other names: short protein forms N921K.
Identifiers: ClinVar variation 5002454 (VCV005002454.1).
Genomic context (GRCh38, chr5:151,566,169, plus strand): 5'-CCCGGGGGGCAGGTCCTCTGGAACCTTCAGCCTGTTGTGTTCTGTGATGCACTGGGGAGA[G>C]TTGTCGTTGACATCCTCCAATGTGATTATCAGGTCAGTGACAGAGAAGAGCTGGTGGCCT-3'
Protein context (NP_001438.1, residues 911-931): LIITLEDVND[Asn921Lys]SPQCITEHNR

ClinVar aggregate classification (germline): Uncertain significance (1 of 4 stars; one submission).

Conditions:
FAT2-related disorder. Also called: FAT2-related condition.

gnomAD v4.1: 5 of 1,614,190 alleles (0.00031%); highest among the groups gnomAD compares: Non-Finnish European, 0.00042%; no homozygotes.

Submission:

PreventionGenetics, part of Exact Sciences
Classification: Uncertain significance for FAT2-related condition. Last evaluated: 2025-08-12. Review status: criteria provided, single submitter. Criteria: ACMG Guidelines, 2015. Collection method: clinical testing. Allele origin: germline.
Comment: The FAT2 c.2763C>G variant is predicted to result in the amino acid substitution p.Asn921Lys. To our knowledge, this variant has not been reported in the literature. This variant is reported in 0.00088% of alleles in individuals of European (Non-Finnish) descent in gnomAD. At this time, the clinical significance of this variant is uncertain due to the absence of conclusive functional and genetic evidence.